The following is an entry in ClinVar:

NM_007129.5(ZIC2):c.1403C>T (p.Ala468Val)

Genes: ZIC2 (Zic family member 2; plus strand), LOC110008580 (Zic family member 2 polyalanine repeat instability region; plus strand). Cytogenetic location: 13q32.3.
Variant type: single nucleotide variant.
Coding change: c.1403C>T on transcript NM_007129.5 (MANE Select); coding-DNA position 1403, C replaced by T.
Protein change: p.Ala468Val; replaces alanine 468 with valine.
Molecular consequence: missense variant.
Genome position (GRCh38, 1-based): chr13:99,985,486, C>T. VCF-style: chr13-99985486-C-T. GRCh37 (hg19) VCF-style: chr13-100637740-C-T.
Other names: short protein forms A468V.
Identifiers: ClinVar variation 3390490 (VCV003390490.1).

ClinVar aggregate classification (germline): Uncertain significance (1 of 4 stars; one submission).

Submission:

GeneDx
Classification: Uncertain significance. Last evaluated: 2024-06-12. Review status: criteria provided, single submitter. Criteria: GeneDx Variant Classification Process June 2021. Collection method: clinical testing. Allele origin: germline. Affected: yes.
Comment: Not observed at significant frequency in large population cohorts (gnomAD); In silico analysis indicates that this missense variant does not alter protein structure/function; Has not been previously published as pathogenic or benign to our knowledge